The following is an entry in ClinVar:

NM_001184.4(ATR):c.451C>G (p.Gln151Glu)

Gene: ATR (ATR checkpoint kinase; minus strand). Cytogenetic location: 3q23.
Variant type: single nucleotide variant.
Coding change: c.451C>G on transcript NM_001184.4 (MANE Select); coding-DNA position 451, C replaced by G.
Protein change: p.Gln151Glu; replaces glutamine 151 with glutamic acid.
Molecular consequence: missense variant.
Genome position (GRCh38, 1-based): chr3:142,562,951, G>C on the plus strand (C>G on the coding strand, the complement: ATR is on the minus strand). VCF-style: chr3-142562951-G-C. GRCh37 (hg19) VCF-style: chr3-142281793-G-C.
Other names: c.451C>G, p.Gln151Glu (NM_001354579.2); short protein forms Q151E.
Identifiers: ClinVar variation 3719181 (VCV003719181.2).
Genomic context (GRCh38, chr3:142,562,951, plus strand): 5'-ATTCCACAGCATGACCCATCACATTTCTTCTATGGAGGTAAACCAAGTCTTCAAAAAGTT[G>C]TAATAATTCTTTTGTGAGTACCCCAAAAATAGCAGGACTCTTGCTTTTAAAAAGAAATAA-3'
Protein context (NP_001175.2, residues 141-161): IFGVLTKELL[Gln151Glu]LFEDLVYLHR

ClinVar aggregate classification (germline): Uncertain significance (1 of 4 stars; one submission).

Submission:

Labcorp Genetics (formerly Invitae), Labcorp
Classification: Uncertain significance. Last evaluated: 2024-04-17. Review status: criteria provided, single submitter. Criteria: Invitae Variant Classification Sherloc (09022015). Collection method: clinical testing. Allele origin: germline.
Comment: This sequence change replaces glutamine, which is neutral and polar, with glutamic acid, which is acidic and polar, at codon 151 of the ATR protein (p.Gln151Glu). This variant is not present in population databases (gnomAD no frequency). This variant has not been reported in the literature in individuals affected with ATR-related conditions. An algorithm developed to predict the effect of missense changes on protein structure and function (PolyPhen-2) suggests that this variant is likely to be tolerated. In summary, the available evidence is currently insufficient to determine the role of this variant in disease. Therefore, it has been classified as a Variant of Uncertain Significance.